The following is an entry in ClinVar:

ClinVar aggregate classification (germline): Uncertain significance. Review status: criteria provided, multiple submitters, no conflicts (2 of 4 stars). 2 submissions from 2 submitters: Uncertain significance (2). Last evaluated 2025-05-30.

Conditions:
PLXNA3-related disorder. Also called: PLXNA3-related condition.

Allele frequency attached by ClinVar (database versions not stated): TOPMed 0.00005; gnomAD 0.00006; gnomAD exomes 0.00006; ExAC 0.00011.
gnomAD v4.1: 71 of 1,208,801 alleles (0.0059%); highest among the groups gnomAD compares: Non-Finnish European, 0.0072%; no homozygotes.

Submissions (2):

PreventionGenetics, part of Exact Sciences
Classification: Uncertain significance for PLXNA3-related condition. Last evaluated: 2025-05-30. Review status: criteria provided, single submitter. Criteria: ACMG Guidelines, 2015. Collection method: clinical testing. Allele origin: germline.
Comment: The PLXNA3 c.2183G>A variant is predicted to result in the amino acid substitution p.Arg728Gln. To our knowledge, this variant has not been reported in the literature. This variant is reported in 0.018% of alleles in individuals of European (Non-Finnish) descent in gnomAD. At this time, the clinical significance of this variant is uncertain due to the absence of conclusive functional and genetic evidence.

Ambry Genetics
Classification: Uncertain significance. Last evaluated: 2023-12-09. Review status: criteria provided, single submitter. Criteria: Ambry Variant Classification Scheme 2023. Collection method: clinical testing. Allele origin: germline.

NM_017514.5(PLXNA3):c.2183G>A (p.Arg728Gln)

Gene: PLXNA3 (plexin A3; plus strand). Cytogenetic location: Xq28.
Variant type: single nucleotide variant.
Coding change: c.2183G>A on transcript NM_017514.5 (MANE Select); coding-DNA position 2183, G replaced by A.
Protein change: p.Arg728Gln; replaces arginine 728 with glutamine.
Molecular consequence: missense variant.
Genome position (GRCh38, 1-based): chrX:154,465,157, G>A. VCF-style: chrX-154465157-G-A. GRCh37 (hg19) VCF-style: chrX-153693500-G-A.
Other names: short protein forms R728Q.
Identifiers: ClinVar variation 3215555 (VCV003215555.2), dbSNP rs782812977, ClinGen allele CA10564294.